The following is an entry in ClinVar:

ClinVar aggregate classification (germline): Pathogenic/Likely pathogenic. Review status: criteria provided, multiple submitters, no conflicts (2 of 4 stars). 4 submissions from 4 submitters: Pathogenic (1); Likely pathogenic (3). Last evaluated 2025-07-03.

Conditions:
HADHA-related disorder. Also called: HADHA-related condition; HADHA-related disorders.
Mitochondrial trifunctional protein deficiency. Identifiers: Orphanet 746, MedGen C1969443, MONDO:0012172.

Allele frequency attached by ClinVar (database versions not stated): gnomAD exomes below 0.00001.
gnomAD v4.1: 4 of 1,611,048 alleles (0.00025%); highest among the groups gnomAD compares: Non-Finnish European, 0.00034%; no homozygotes.

Submissions (4):

Women's Health and Genetics/Laboratory Corporation of America, LabCorp
Classification: Likely pathogenic for Mitochondrial trifunctional protein deficiency. Last evaluated: 2025-07-03. Review status: criteria provided, single submitter. Criteria: LabCorp Variant Classification Summary - May 2015. Collection method: clinical testing. Allele origin: germline.
Comment: Variant summary: HADHB c.881C>G (p.Pro294Arg) results in a non-conservative amino acid change in the encoded protein sequence. Algorithms developed to predict the effect of missense changes on protein structure and function all suggest that this variant is likely to be disruptive. The variant was absent in 251446 control chromosomes (gnomAD). c.881C>G has been observed in individuals affected with Mitochondrial Trifunctional Protein Deficiency (Spiekerkoetter_2003). These data indicate that the variant may be associated with disease. At least one publication reports experimental evidence evaluating fibroblasts from a patient who was compound heterozygous with the variant and a loss of function frameshift variant, suggesting the variant causes a substantial loss of activity (Vieira_2024). The following publications have been ascertained in the context of this evaluation (PMID: 12754706, 39088276). ClinVar contains an entry for this variant (Variation ID: 632355). Based on the evidence outlined above, the variant was classified as likely pathogenic.

Labcorp Genetics (formerly Invitae), Labcorp
Classification: Pathogenic for Mitochondrial trifunctional protein deficiency. Last evaluated: 2023-12-06. Review status: criteria provided, single submitter. Criteria: Invitae Variant Classification Sherloc (09022015). Collection method: clinical testing. Allele origin: germline.
Comment: This sequence change replaces proline, which is neutral and non-polar, with arginine, which is basic and polar, at codon 294 of the HADHB protein (p.Pro294Arg). This variant is not present in population databases (gnomAD no frequency). This missense change has been observed in individual(s) with Mitochondrial trifunctional protein deficiency (PMID: 12754706). This variant is also known as P261R. ClinVar contains an entry for this variant (Variation ID: 632355). Advanced modeling of protein sequence and biophysical properties (such as structural, functional, and spatial information, amino acid conservation, physicochemical variation, residue mobility, and thermodynamic stability) performed at Invitae indicates that this missense variant is expected to disrupt HADHB protein function with a positive predictive value of 80%. This variant disrupts the p.Pro294 amino acid residue in HADHB. Other variant(s) that disrupt this residue have been observed in individuals with HADHB-related conditions (PMID: 12754706), which suggests that this may be a clinically significant amino acid residue. For these reasons, this variant has been classified as Pathogenic.

Baylor Genetics
Classification: Likely pathogenic for Mitochondrial trifunctional protein deficiency 1. Last evaluated: 2023-06-29. Review status: criteria provided, single submitter. Criteria: ACMG Guidelines, 2015. Collection method: clinical testing. Allele origin: unknown.

Illumina Laboratory Services, Illumina
Classification: Likely pathogenic for HADHA-Related Disorders. Last evaluated: 2018-11-05. Review status: criteria provided, single submitter. Criteria: ICSL Variant Classification Criteria 09 May 2019. Collection method: clinical testing. Allele origin: germline.
Comment: The HADHB c.881C>G (p.Pro294Arg) variant is a missense variant that has been reported in a compound heterozygous state in two unrelated individuals with trifunctional protein deficiency (Spiekerkoetter et al. 2003, 2004). Deficient LCHAD and LKAT enzyme activity was observed in fibroblasts from both individuals. Another missense change at the same position was also reported in affected individuals. The p.Pro294Arg variant, which was previously known as p.Pro261Arg, was absent from 100 control individuals and is not reported in the 1000 Genomes Project, Exome Sequencing Project, Exome Aggregation Consortium, or Genome Aggregation Database despite its location in a region of good sequencing coverage. It is therefore presumed to be rare. Based on the collective evidence, the p.Pro294Arg variant is classified as likely pathogenic for HADHA-related disorders. This variant was observed by ICSL as part of a predisposition screen in an ostensibly healthy population.

Literature cited by the submitters: PubMed 12754706 (cited by 3 submitters); PubMed 39088276 (cited by Women's Health and Genetics/Laboratory Corporation of America, LabCorp); PubMed 14630990 (cited by Illumina Laboratory Services, Illumina).

NM_000183.3(HADHB):c.881C>G (p.Pro294Arg)

Gene: HADHB (hydroxyacyl-CoA dehydrogenase trifunctional multienzyme complex subunit beta; plus strand). Cytogenetic location: 2p23.3.
Variant type: single nucleotide variant.
Coding change: c.881C>G on transcript NM_000183.3 (MANE Select); coding-DNA position 881, C replaced by G.
Protein change: p.Pro294Arg; replaces proline 294 with arginine.
Molecular consequence: missense variant.
Genome position (GRCh38, 1-based): chr2:26,280,063, C>G. VCF-style: chr2-26280063-C-G. GRCh37 (hg19) VCF-style: chr2-26502931-C-G.
Other names: c.836C>G, p.Pro279Arg (NM_001281512.2); c.815C>G, p.Pro272Arg (NM_001281513.2); short protein forms P294R, P272R, P279R.
Identifiers: ClinVar variation 632355 (VCV000632355.10), dbSNP rs1558357879, ClinGen allele CA346093850.